The following is an entry in ClinVar:

ClinVar aggregate classification (germline): Uncertain significance (1 of 4 stars; one submission).

Conditions:
Aicardi-Goutieres syndrome 6 (AGS6). Identifiers: Orphanet 51, MedGen C3539013, MONDO:0014007, OMIM 615010.
Symmetrical dyschromatosis of extremities (DSH). Also called: RETICULATE ACROPIGMENTATION OF DOHI; SYMMETRIC DYSCHROMATOSIS OF THE EXTREMITIES; Dyschromatosis symmetrica hereditaria; DYSCHROMATOSIS SYMMETRICA HEREDITARIA 1. Identifiers: Orphanet 41, MedGen C0406775, MONDO:0007483, OMIM 127400.

Submission:

Labcorp Genetics (formerly Invitae), Labcorp
Classification: Uncertain significance for Aicardi-Goutieres syndrome 6; Symmetrical dyschromatosis of extremities. Last evaluated: 2022-10-05. Review status: criteria provided, single submitter. Criteria: Invitae Variant Classification Sherloc (09022015). Collection method: clinical testing. Allele origin: germline.
Comment: This sequence change falls in intron 1 of the ADAR gene. It does not directly change the encoded amino acid sequence of the ADAR protein. It affects a nucleotide within the consensus splice site. This variant is not present in population databases (gnomAD no frequency). This variant has not been reported in the literature in individuals affected with ADAR-related conditions. ClinVar contains an entry for this variant (Variation ID: 1014328). Variants that disrupt the consensus splice site are a relatively common cause of aberrant splicing (PMID: 17576681, 9536098). Algorithms developed to predict the effect of sequence changes on RNA splicing suggest that this variant is not likely to affect RNA splicing. In summary, the available evidence is currently insufficient to determine the role of this variant in disease. Therefore, it has been classified as a Variant of Uncertain Significance.

Literature cited by the submitters: PubMed 17576681; PubMed 9536098.

NM_001111.5(ADAR):c.15+6C>T

Genes: ADAR (adenosine deaminase RNA specific; minus strand), LOC129931512 (ATAC-STARR-seq lymphoblastoid silent region 1364; plus strand). Cytogenetic location: 1q21.3.
Variant type: single nucleotide variant.
Coding change: c.15+6C>T on transcript NM_001111.5 (MANE Select); 6 bases into the intron after coding-DNA position 15, C replaced by T.
Molecular consequence: intron variant.
Genome position (GRCh38, 1-based): chr1:154,607,986, G>A on the plus strand (C>T on the coding strand, the complement: ADAR is on the minus strand). VCF-style: chr1-154607986-G-A. GRCh37 (hg19) VCF-style: chr1-154580462-G-A.
Other names: c.-734-5360C>T (NM_001365046.1); c.43-5360C>T (NM_001365045.1); c.-870-5360C>T (NM_001025107.3); c.-871+765C>T (NM_001365048.1); c.-735+6C>T (NM_001365049.1, NM_001365047.1); c.15+6C>T (NM_015841.4, NM_015840.4).
Identifiers: ClinVar variation 1014328 (VCV001014328.9), dbSNP rs1698312357, ClinGen allele CA2480941184.
Genomic context (GRCh38, chr1:154,607,986, plus strand): 5'-CACAAAGCCTGTGAGGTTGTAAACGAACCCAGACGGCGGCGAAGGTCCAAGGCCGGCCCG[G>A]CTTACCTGCCGCGGATTCATTGCGCCCGCGAGGCATTGCCCGGCCCGACCCGCCGGCGGC-3'